The following is an entry in ClinVar:

ClinVar aggregate classification (germline): Conflicting classifications of pathogenicity. Review status: criteria provided, conflicting classifications (1 of 4 stars). 5 submissions from 5 submitters: Uncertain significance (3); Likely benign (2). Last evaluated 2023-12-03.

Conditions:
Congenital contractural arachnodactyly (CCA). Also called: BEALS SYNDROME; Beals-Hecht syndrome; Arthrogryposis, distal, type 9. Identifiers: Orphanet 115, MedGen C0220668, MONDO:0007363, OMIM 121050.
Connective tissue disorder. Also called: Connective tissue disease. Identifiers: MedGen C0009782, MONDO:0003900.
Familial thoracic aortic aneurysm and aortic dissection (TAAD). Also called: Thoracic aortic aneurysms and dissections. Identifiers: Orphanet 91387, MedGen C4707243, MONDO:0019625.

Allele frequency attached by ClinVar (database versions not stated): TOPMed 0.00001; ExAC 0.00002; gnomAD exomes 0.00002.
gnomAD v4.1: 12 of 1,614,126 alleles (0.00074%); highest among the groups gnomAD compares: South Asian, 0.0022%; no homozygotes.

Submissions (5):

Labcorp Genetics (formerly Invitae), Labcorp
Classification: Uncertain significance for Congenital contractural arachnodactyly. Last evaluated: 2023-12-03. Review status: criteria provided, single submitter. Criteria: Invitae Variant Classification Sherloc (09022015). Collection method: clinical testing. Allele origin: germline.
Comment: This sequence change replaces tyrosine, which is neutral and polar, with serine, which is neutral and polar, at codon 1682 of the FBN2 protein (p.Tyr1682Ser). This variant is present in population databases (rs769474473, gnomAD 0.004%). This variant has not been reported in the literature in individuals affected with FBN2-related conditions. ClinVar contains an entry for this variant (Variation ID: 547360). Advanced modeling of protein sequence and biophysical properties (such as structural, functional, and spatial information, amino acid conservation, physicochemical variation, residue mobility, and thermodynamic stability) has been performed at Invitae for this missense variant, however the output from this modeling did not meet the statistical confidence thresholds required to predict the impact of this variant on FBN2 protein function. In summary, the available evidence is currently insufficient to determine the role of this variant in disease. Therefore, it has been classified as a Variant of Uncertain Significance.

Ambry Genetics
Classification: Uncertain significance for Familial thoracic aortic aneurysm and aortic dissection. Last evaluated: 2023-03-15. Review status: criteria provided, single submitter. Criteria: Ambry Variant Classification Scheme 2023. Collection method: clinical testing. Allele origin: germline.
Comment: The p.Y1682S variant (also known as c.5045A>C), located in coding exon 39 of the FBN2 gene, results from an A to C substitution at nucleotide position 5045. The tyrosine at codon 1682 is replaced by serine, an amino acid with dissimilar properties. This amino acid position is well conserved in available vertebrate species. In addition, this alteration is predicted to be deleterious by in silico analysis. Since supporting evidence is limited at this time, the clinical significance of this alteration remains unclear.

GeneDx
Classification: Uncertain significance. Last evaluated: 2022-02-02. Review status: criteria provided, single submitter. Criteria: GeneDx Variant Classification Process June 2021. Collection method: clinical testing. Allele origin: germline. Affected: yes.
Comment: Has not been previously published as pathogenic or benign to our knowledge; Not observed at significant frequency in large population cohorts (gnomAD); In silico analysis supports that this missense variant has a deleterious effect on protein structure/function; Does not affect a cysteine residue within a calcium-binding EGF-like domain of the FBN2 gene; cysteine substitutions in the calcium-binding EGF-like domains represent the majority of pathogenic missense changes associated with FBN2-related disorders (Frederic et al., 2009); This variant is associated with the following publications: (PMID: 18767143)

Blueprint Genetics
Classification: Likely benign. Last evaluated: 2017-12-07. Review status: criteria provided, single submitter. Criteria: ACMG Guidelines, 2015. Collection method: clinical testing. Allele origin: germline.

Center for Human Genetics, Inc
Classification: Likely benign for Connective tissue disorder. Last evaluated: 2016-11-01. Review status: criteria provided, single submitter. Criteria: ACMG Guidelines, 2015. Collection method: clinical testing. Allele origin: germline. Affected: yes.

NM_001999.4(FBN2):c.5045A>C (p.Tyr1682Ser)

Gene: FBN2 (fibrillin 2; minus strand). Cytogenetic location: 5q23.3.
Variant type: single nucleotide variant.
Coding change: c.5045A>C on transcript NM_001999.4 (MANE Select); coding-DNA position 5045, A replaced by C.
Protein change: p.Tyr1682Ser; replaces tyrosine 1682 with serine.
Molecular consequence: missense variant.
Genome position (GRCh38, 1-based): chr5:128,311,329, T>G on the plus strand (A>C on the coding strand, the complement: FBN2 is on the minus strand). VCF-style: chr5-128311329-T-G. GRCh37 (hg19) VCF-style: chr5-127647021-T-G.
Other names: short protein forms Y1682S.
Identifiers: ClinVar variation 547360 (VCV000547360.14), dbSNP rs769474473, ClinGen allele CA3394808.